The following is an entry in ClinVar:

NM_177438.3(DICER1):c.3084G>A (p.Gln1028=)

Gene: DICER1 (dicer 1, ribonuclease III; minus strand). Cytogenetic location: 14q32.13.
Variant type: single nucleotide variant.
Coding change: c.3084G>A on transcript NM_177438.3 (MANE Select); coding-DNA position 3084, G replaced by A.
Protein change: p.Gln1028=; no amino-acid change (glutamine 1028 retained).
Molecular consequence: synonymous variant.
Genome position (GRCh38, 1-based): chr14:95,105,687, C>T on the plus strand (G>A on the coding strand, the complement: DICER1 is on the minus strand). VCF-style: chr14-95105687-C-T. GRCh37 (hg19) VCF-style: chr14-95572024-C-T.
Other names: c.3084G>A, p.Gln1028= (NM_001195573.1, NM_001271282.3, NM_001291628.2 and 1 more transcripts).
Identifiers: ClinVar variation 762397 (VCV000762397.13), dbSNP rs1595372521, ClinGen allele CA487627208.

ClinVar aggregate classification (germline): Benign/Likely benign. Review status: criteria provided, multiple submitters, no conflicts (2 of 4 stars). 3 submissions from 3 submitters: Benign (1); Likely benign (2). Last evaluated 2026-08-18.

Conditions:
Hereditary cancer-predisposing syndrome. Also called: Hereditary neoplastic syndrome; Neoplastic Syndromes, Hereditary; Tumor predisposition; Hereditary Cancer Syndrome. Identifiers: Orphanet 140162, MedGen C0027672, MeSH D009386, MONDO:0015356.
DICER1-related tumor predisposition. Also called: DICER1 syndrome; DICER1-related pleuropulmonary blastoma cancer predisposition syndrome. Identifiers: Orphanet 284343, MedGen C3839822, MONDO:0100216.

Allele frequency attached by ClinVar (database versions not stated): gnomAD exomes below 0.00001.
gnomAD v4.1: 1 of 1,609,346 alleles (0.000062%); highest among the groups gnomAD compares: Non-Finnish European, 0.000085%; no homozygotes.

Submissions (3):

Myriad Genetics, Inc.
Classification: Benign for DICER1-related tumor predisposition. Last evaluated: 2026-08-18. Review status: criteria provided, single submitter. Criteria: Myriad Autosomal Dominant, Autosomal Recessive and X-Linked Classification Criteria (2023). Collection method: clinical testing. Allele origin: unknown.
Comment: This variant is considered benign. This variant is a silent/synonymous amino acid change and it is not expected to impact splicing.

Ambry Genetics
Classification: Likely benign for Hereditary cancer-predisposing syndrome. Last evaluated: 2023-04-23. Review status: criteria provided, single submitter. Criteria: Ambry Variant Classification Scheme 2023. Collection method: clinical testing. Allele origin: germline.

Labcorp Genetics (formerly Invitae), Labcorp
Classification: Likely benign for DICER1-related tumor predisposition. Last evaluated: 2022-05-27. Review status: criteria provided, single submitter. Criteria: Invitae Variant Classification Sherloc (09022015). Collection method: clinical testing. Allele origin: germline.